The following is an entry in ClinVar:

ClinVar aggregate classification (germline): Uncertain significance. Review status: criteria provided, multiple submitters, no conflicts (2 of 4 stars). 2 submissions from 2 submitters: Uncertain significance (2). Last evaluated 2024-08-20.

Conditions:
Inborn genetic diseases. Identifiers: MedGen C0950123, MeSH D030342.

Allele frequency attached by ClinVar (database versions not stated): TOPMed below 0.00001; ExAC 0.00001; gnomAD 0.00001; gnomAD exomes 0.00001 and 0.00002.
gnomAD v4.1: 22 of 1,614,046 alleles (0.0014%); highest among the groups gnomAD compares: Non-Finnish European, 0.0017%; no homozygotes.

Submissions (2):

Ambry Genetics
Classification: Uncertain significance for Inborn genetic diseases. Last evaluated: 2024-08-20. Review status: criteria provided, single submitter. Criteria: Ambry Variant Classification Scheme 2023. Collection method: clinical testing. Allele origin: germline.

Labcorp Genetics (formerly Invitae), Labcorp
Classification: Uncertain significance. Last evaluated: 2022-07-29. Review status: criteria provided, single submitter. Criteria: Invitae Variant Classification Sherloc (09022015). Collection method: clinical testing. Allele origin: germline.
Comment: This sequence change replaces valine, which is neutral and non-polar, with leucine, which is neutral and non-polar, at codon 1236 of the TTLL5 protein (p.Val1236Leu). This variant is present in population databases (rs753751587, gnomAD 0.004%). This variant has not been reported in the literature in individuals affected with TTLL5-related conditions. ClinVar contains an entry for this variant (Variation ID: 1044017). Algorithms developed to predict the effect of missense changes on protein structure and function (SIFT, PolyPhen-2, Align-GVGD) all suggest that this variant is likely to be tolerated. In summary, the available evidence is currently insufficient to determine the role of this variant in disease. Therefore, it has been classified as a Variant of Uncertain Significance.

NM_015072.5(TTLL5):c.3706G>T (p.Val1236Leu)

Gene: TTLL5 (tubulin tyrosine ligase like 5; plus strand). Cytogenetic location: 14q24.3.
Variant type: single nucleotide variant.
Coding change: c.3706G>T on transcript NM_015072.5 (MANE Select); coding-DNA position 3706, G replaced by T.
Protein change: p.Val1236Leu; replaces valine 1236 with leucine.
Molecular consequence: missense variant.
Genome position (GRCh38, 1-based): chr14:75,882,868, G>T. VCF-style: chr14-75882868-G-T. GRCh37 (hg19) VCF-style: chr14-76349211-G-T.
Other names: c.3706G>T (NM_015072.4); short protein forms V1236L.
Identifiers: ClinVar variation 1044017 (VCV001044017.8), dbSNP rs753751587, ClinGen allele CA7280110.